The following is an entry in ClinVar:

ClinVar aggregate classification (germline): Pathogenic/Likely pathogenic. Review status: criteria provided, multiple submitters, no conflicts (2 of 4 stars). 9 submissions from 9 submitters: Pathogenic (3); Likely pathogenic (5). 1 of the submissions does not count toward it. Last evaluated 2026-08-28.

Conditions:
BBS12-related disorder. Also called: BBS12-related condition.
Bardet-Biedl syndrome 12 (BBS12). Identifiers: Orphanet 110, MedGen C1859570, MONDO:0014440, OMIM 615989.
Bardet-Biedl syndrome (BBS). Identifiers: Orphanet 110, MedGen C0752166, MONDO:0015229.
Abnormality of the nervous system. Also called: Congenital nervous system disorder. Identifiers: MedGen C0497552, MONDO:0002320, HP:0000707.

Submissions (9):

PreventionGenetics, part of Exact Sciences
Classification: Likely pathogenic for BBS12-related condition. Last evaluated: 2026-08-28. Review status: criteria provided, single submitter. Criteria: ACMG Guidelines, 2015. Collection method: clinical testing. Allele origin: germline.
Comment: The BBS12 c.265_266delTT variant is predicted to result in a frameshift and premature protein termination (p.Leu89Valfs*11). This variant was reported in an individual with Bardet-Biedl syndrome (Jaffal et al. 2019. PubMed ID: 31888296). This variant is reported in 0.0033% of alleles in individuals of South Asian descent in gnomAD. Frameshift variants in BBS12 are expected to be pathogenic. This variant is interpreted as likely pathogenic.

Natera, Inc.
Classification: Likely pathogenic for Bardet-Biedl syndrome type 12. Last evaluated: 2024-11-17. Review status: criteria provided, single submitter. Criteria: Natera Variant Classification Schema (03/2026). Collection method: clinical testing. Allele origin: germline.
Comment: The c.265_266delTT variant in BBS12 is a frameshift variant predicted to shift the reading frame beginning at codon 89 and leads to a stop codon 11 codons downstream. This variant is expected to result in nonsense mediated decay, truncation, or a dysfunctional protein product. This variant is rare in the general population with a frequency below the threshold expected for the associated phenotype(s). This variant has been observed in one or more individuals affected with the associated recessive disease, as either homozygous or compound heterozygous with a second variant (PMID: 35912300, 37798099). Given the available evidence, this variant is classified as Likely Pathogenic.

Lab De Baere, Eye and Developmental Genetics Lab, Ghent University
Classification: Likely pathogenic for Bardet-Biedl syndrome. Last evaluated: 2024-10-01. Review status: criteria provided, single submitter. Criteria: ACMG Guidelines, 2015. Collection method: research. Allele origin: inherited. Affected: yes. Observed: 1 variant allele.
Comment: ACMG/AMP guidelines: PM2, PVS1_PS2, PM3_1

Blueprint Genetics
Classification: Pathogenic for BBS12-related disorders. Last evaluated: 2024-07-23. Review status: criteria provided, single submitter. Criteria: ACMG Guidelines, 2015. Collection method: clinical testing. Allele origin: germline. Affected: yes. Observed: 1 variant allele.

Fulgent Genetics
Classification: Pathogenic for Bardet-Biedl syndrome 12. Last evaluated: 2024-03-15. Review status: criteria provided, single submitter. Criteria: ACMG Guidelines, 2015. Collection method: clinical testing. Allele origin: germline.

Labcorp Genetics (formerly Invitae), Labcorp
Classification: Pathogenic for Bardet-Biedl syndrome. Last evaluated: 2023-11-09. Review status: criteria provided, single submitter. Criteria: Invitae Variant Classification Sherloc (09022015). Collection method: clinical testing. Allele origin: germline.
Comment: This sequence change creates a premature translational stop signal (p.Leu89Valfs*11) in the BBS12 gene. While this is not anticipated to result in nonsense mediated decay, it is expected to disrupt the last 622 amino acid(s) of the BBS12 protein. This variant is present in population databases (no rsID available, gnomAD 0.003%). This variant has not been reported in the literature in individuals affected with BBS12-related conditions. ClinVar contains an entry for this variant (Variation ID: 554330). Experimental studies and prediction algorithms are not available or were not evaluated, and the functional significance of this variant is currently unknown. This variant disrupts a region of the BBS12 protein in which other variant(s) (p.Arg355*) have been determined to be pathogenic (PMID: 17160889, 23591405). This suggests that this is a clinically significant region of the protein, and that variants that disrupt it are likely to be disease-causing. For these reasons, this variant has been classified as Pathogenic.

Women's Health and Genetics/Laboratory Corporation of America, LabCorp
Classification: Likely pathogenic for Bardet-Biedl syndrome. Last evaluated: 2023-04-04. Review status: criteria provided, single submitter. Criteria: LabCorp Variant Classification Summary - May 2015. Collection method: clinical testing. Allele origin: germline.
Comment: Variant summary: BBS12 c.265_266delTT (p.Leu89ValfsX11) results in a premature termination codon, predicted to cause a truncation of the encoded protein or absence of the protein due to nonsense mediated decay, which are commonly known mechanisms for disease. Truncations downstream of this position have been classified as pathogenic in ClinVar. The variant allele was found at a frequency of 1.2e-05 in 250380 control chromosomes (gnomAD). c.265_266delTT has been reported in the literature in individuals affected with BBS12-related conditions (example: Dehghan_2022 and Jaffal_2019). These data indicate that the variant may be associated with disease. To our knowledge, no experimental evidence demonstrating an impact on protein function has been reported. Three clinical diagnostic laboratories have submitted clinical-significance assessments for this variant to ClinVar after 2014 and all classified the variant as pathogenic/likely pathogenic. Based on the evidence outlined above, the variant was classified as likely pathogenic.

Kariminejad - Najmabadi Pathology & Genetics Center
Classification: Likely pathogenic for Abnormality of the nervous system. Last evaluated: 2021-07-10. Review status: criteria provided, single submitter. Criteria: ACMG Guidelines, 2015. Collection method: clinical testing. Allele origin: germline. Affected: yes.

Counsyl
Classification: Likely pathogenic for Bardet-Biedl syndrome 12. Last evaluated: 2017-10-16. Review status: no assertion criteria provided. Collection method: clinical testing. Allele origin: unknown. Not counted in ClinVar's aggregate classification.

Literature cited by the submitters: PubMed 35912300 (cited by Natera, Inc. and Women's Health and Genetics/Laboratory Corporation of America, LabCorp); PubMed 37798099 (cited by Natera, Inc.); PubMed 17160889 (cited by Labcorp Genetics (formerly Invitae), Labcorp); PubMed 23591405 (cited by Labcorp Genetics (formerly Invitae), Labcorp); PubMed 31888296 (cited by Women's Health and Genetics/Laboratory Corporation of America, LabCorp).

NM_152618.3(BBS12):c.265_266del (p.Leu89fs)

Gene: BBS12 (Bardet-Biedl syndrome 12; plus strand). Cytogenetic location: 4q27.
Variant type: Deletion.
Coding change: c.265_266del on transcript NM_152618.3 (MANE Select); coding-DNA positions 265 to 266, 2 bases deleted (TT; older notation c.265_266delTT).
Protein change: p.Leu89fs; shifts the reading frame from leucine 89.
Molecular consequence: frameshift variant.
Genome position (GRCh38, 1-based): chr4:122,742,157-122,742,158, TT deleted; deleting any 2 consecutive bases within chr4:122,742,155-122,742,158 gives the same sequence; the c. name uses the placement nearest the transcript's 3' end. VCF-style (leftmost placement, unchanged base first): chr4-122742154-CTT-C. GRCh37 (hg19) VCF-style: chr4-123663309-CTT-C.
Other names: c.265_266del, p.Leu89fs (NM_001178007.2); c.265_266delTT (NM_152618.3); short protein forms L89fs.
Identifiers: ClinVar variation 554330 (VCV000554330.40), dbSNP rs1397714772, ClinGen allele CA554526993.